The following is an entry in ClinVar:

NM_001079872.2(CUL4B):c.366C>T (p.Ser122=)

Genes: CUL4B (cullin 4B; minus strand), LOC113845788 (Sharpr-MPRA regulatory region 11856; plus strand). Cytogenetic location: Xq24.
Variant type: single nucleotide variant.
Coding change: c.366C>T on transcript NM_001079872.2 (MANE Select); coding-DNA position 366, C replaced by T.
Protein change: p.Ser122=; no amino-acid change (serine 122 retained).
Molecular consequence: synonymous variant.
Genome position (GRCh38, 1-based): chrX:120,560,273, G>A on the plus strand (C>T on the coding strand, the complement: CUL4B is on the minus strand). VCF-style: chrX-120560273-G-A. GRCh37 (hg19) VCF-style: chrX-119694128-G-A.
Other names: c.420C>T (NM_003588.3); c.381C>T, p.Ser127= (NM_001330624.2); c.420C>T, p.Ser140= (NM_003588.4).
Identifiers: ClinVar variation 2202433 (VCV002202433.7), dbSNP rs141353300, ClinGen allele CA10505707.

ClinVar aggregate classification (germline): Benign/Likely benign. Review status: criteria provided, multiple submitters, no conflicts (2 of 4 stars). 3 submissions from 3 submitters: Benign (1); Likely benign (1). 1 of the submissions does not count toward it. Last evaluated 2024-06-17.

Conditions:
X-linked intellectual disability Cabezas type (MRXSC). Also called: CABEZAS SYNDROME; MENTAL RETARDATION, X-LINKED, SYNDROMIC 15; Intellectual developmental disorder, X-linked syndromic, Cabezas type. Identifiers: Orphanet 85289, Orphanet 85293, MedGen C1845861, MONDO:0010306, OMIM 300354.
CUL4B-related disorder. Also called: CUL4B-related condition.

Allele frequency attached by ClinVar (database versions not stated): gnomAD 0.00002; TOPMed 0.00003; ESP Exome Variant Server 0.00009.
gnomAD v4.1: 18 of 1,209,851 alleles (0.0015%); highest among the groups gnomAD compares: Non-Finnish European, 0.002%; no homozygotes.

Submissions (3):

Blueprint Genetics
Classification: Likely benign. Last evaluated: 2024-06-17. Review status: criteria provided, single submitter. Criteria: ACMG Guidelines, 2015. Collection method: clinical testing. Allele origin: germline.

Labcorp Genetics (formerly Invitae), Labcorp
Classification: Benign for X-linked intellectual disability Cabezas type. Last evaluated: 2022-03-04. Review status: criteria provided, single submitter. Criteria: Invitae Variant Classification Sherloc (09022015). Collection method: clinical testing. Allele origin: germline.

PreventionGenetics, part of Exact Sciences
Classification: Likely benign for CUL4B-related condition. Last evaluated: 2022-06-16. Review status: no assertion criteria provided. Collection method: clinical testing. Allele origin: germline. Not counted in ClinVar's aggregate classification.
Comment: This variant is classified as likely benign based on ACMG/AMP sequence variant interpretation guidelines (Richards et al. 2015 PMID: 25741868, with internal and published modifications).